The following is an entry in ClinVar:

ClinVar aggregate classification (germline): Uncertain significance (1 of 4 stars; one submission).

Conditions:
Intellectual developmental disorder, X-linked, syndromic, Turner type. Also called: X-linked intellectual disability, Turner type; Intellectual disability, X-linked syndromic, Turner type. Identifiers: Orphanet 3056, Orphanet 85328, MedGen C2678046, MONDO:0010407, OMIM 309590.

Submission:

OLLIN Analises Genomicas, OLLIN
Classification: Uncertain significance for Intellectual developmental disorder, X-linked, syndromic, Turner type. Last evaluated: 2026-02-13. Review status: criteria provided, single submitter. Criteria: ACMG Guidelines 2015 PMID 25741868. Collection method: clinical testing. Allele origin: germline. Observed: 1 variant allele.
Comment: PM2_P, PP2

NM_031407.7(HUWE1):c.12527C>A (p.Thr4176Asn)

Gene: HUWE1 (HECT, UBA and WWE domain containing E3 ubiquitin protein ligase 1; minus strand). Cytogenetic location: Xp11.22.
Variant type: single nucleotide variant.
Coding change: c.12527C>A on transcript NM_031407.7 (MANE Select); coding-DNA position 12527, C replaced by A.
Protein change: p.Thr4176Asn; replaces threonine 4176 with asparagine.
Molecular consequence: missense variant.
Genome position (GRCh38, 1-based): chrX:53,536,151, G>T on the plus strand (C>A on the coding strand, the complement: HUWE1 is on the minus strand). VCF-style: chrX-53536151-G-T. GRCh37 (hg19) VCF-style: chrX-53563112-G-T.
Other names: c.12479C>A, p.Thr4160Asn (NM_001441048.1, NM_001441053.1, NM_001441058.1); c.12482C>A, p.Thr4161Asn (NM_001441049.1, NM_001441054.1); c.12503C>A, p.Thr4168Asn (NM_001441050.1, NM_001441055.1); c.12524C>A, p.Thr4175Asn (NM_001441051.1, NM_001441056.1); c.12125C>A, p.Thr4042Asn (NM_001441052.1); c.12527C>A, p.Thr4176Asn (NM_001441057.1); short protein forms T4042N, T4160N, T4161N, T4168N, T4175N, T4176N.
Identifiers: ClinVar variation 4814081 (VCV004814081.1).